The following is an entry in ClinVar:

ClinVar aggregate classification (germline): Uncertain significance. Review status: criteria provided, multiple submitters, no conflicts (2 of 4 stars). 2 submissions from 2 submitters: Uncertain significance (2). Last evaluated 2022-10-18.

Conditions:
Gamma-aminobutyric acid transaminase deficiency (GABATD). Also called: GABA aminotransaminase deficiency; GABA transaminase deficiency; Gamma aminobutyrate transaminase deficiency; 4 alpha aminobutyrate transaminase deficiency. Identifiers: Orphanet 2066, MedGen C0342708, MONDO:0013166, OMIM 613163.

Allele frequency attached by ClinVar (database versions not stated): ExAC 0.00003; gnomAD 0.00003 and 0.00004; TOPMed 0.00004.
gnomAD v4.1: 19 of 1,614,044 alleles (0.0012%); highest among the groups gnomAD compares: East Asian, 0.031%; no homozygotes.

Submissions (2):

Labcorp Genetics (formerly Invitae), Labcorp
Classification: Uncertain significance for Gamma-aminobutyric acid transaminase deficiency. Last evaluated: 2022-10-18. Review status: criteria provided, single submitter. Criteria: Invitae Variant Classification Sherloc (09022015). Collection method: clinical testing. Allele origin: germline.
Comment: This sequence change replaces alanine, which is neutral and non-polar, with valine, which is neutral and non-polar, at codon 414 of the ABAT protein (p.Ala414Val). This variant is present in population databases (rs771801237, gnomAD 0.04%). This variant has not been reported in the literature in individuals affected with ABAT-related conditions. ClinVar contains an entry for this variant (Variation ID: 1481049). Advanced modeling of protein sequence and biophysical properties (such as structural, functional, and spatial information, amino acid conservation, physicochemical variation, residue mobility, and thermodynamic stability) performed at Invitae indicates that this missense variant is not expected to disrupt ABAT protein function. In summary, the available evidence is currently insufficient to determine the role of this variant in disease. Therefore, it has been classified as a Variant of Uncertain Significance.

Breakthrough Genomics
Classification: Uncertain significance. Review status: criteria provided, single submitter. Criteria: ACMG Guidelines, 2015. Collection method: not provided. Allele origin: germline. Inheritance: Autosomal recessive inheritance. Affected: yes.

NM_020686.6(ABAT):c.1241C>T (p.Ala414Val)

Gene: ABAT (4-aminobutyrate aminotransferase; plus strand). Cytogenetic location: 16p13.2.
Variant type: single nucleotide variant.
Coding change: c.1241C>T on transcript NM_020686.6 (MANE Select); coding-DNA position 1241, C replaced by T.
Protein change: p.Ala414Val; replaces alanine 414 with valine.
Molecular consequence: missense variant.
Genome position (GRCh38, 1-based): chr16:8,776,462, C>T. VCF-style: chr16-8776462-C-T. GRCh37 (hg19) VCF-style: chr16-8870319-C-T.
Other names: c.1241C>T, p.Ala414Val (NM_000663.5, NM_001127448.2, NM_001386600.1 and 6 more transcripts); c.1202C>T, p.Ala401Val (NM_001386605.1); c.1178C>T, p.Ala393Val (NM_001386606.1, NM_001386607.1); c.1148C>T, p.Ala383Val (NM_001386608.1); c.1106C>T, p.Ala369Val (NM_001386610.1, NM_001386611.1); c.1043C>T, p.Ala348Val (NM_001386612.1, NM_001386613.1); c.995C>T, p.Ala332Val (NM_001386614.1); c.1337C>T, p.Ala446Val (NM_001386615.1); short protein forms A348V, A369V, A383V, A446V, A332V, A393V, A401V, A414V.
Identifiers: ClinVar variation 1481049 (VCV001481049.6), dbSNP rs771801237, ClinGen allele CA7893467.